The following is an entry in ClinVar:

NM_001276270.2(MBD4):c.496_497insGA (p.His166fs)

Gene: MBD4 (methyl-CpG binding domain 4, DNA glycosylase; minus strand). Cytogenetic location: 3q21.3.
Variant type: Insertion.
Coding change: c.496_497insGA on transcript NM_001276270.2 (MANE Select); coding-DNA positions 496 to 497, GA inserted.
Protein change: p.His166fs; shifts the reading frame from histidine 166.
Molecular consequence: frameshift variant. On other transcripts: intron variant (1).
Genome position: GRCh38 VCF-style: chr3-129437147-T-TTC. GRCh37 (hg19) VCF-style: chr3-129155990-T-TTC.
Other names: c.496_497insGA, p.His166fs (NM_001276271.2, NM_001276272.2, NM_003925.3); c.247+660_247+661insGA (NM_001276273.2); short protein forms H166fs.
Identifiers: ClinVar variation 3669076 (VCV003669076.4).

ClinVar aggregate classification (germline): Pathogenic. Review status: criteria provided, multiple submitters, no conflicts (2 of 4 stars). 3 submissions from 3 submitters: Pathogenic (3). Last evaluated 2026-04-15.

Conditions:
Inborn genetic diseases. Identifiers: MedGen C0950123, MeSH D030342.
Tumor predisposition syndrome 2 (TPDS2). Also called: MBD4-ASSOCIATED NEOPLASIA SYNDROME; MBD4-Related Tumor Predisposition Syndrome; MBD4-associated neoplasia syndrome (MANS). Identifiers: Orphanet 661526, MedGen C5774186, MONDO:0859267, OMIM 619975.

Submissions (3):

Myriad Genetics, Inc.
Classification: Pathogenic for Tumor predisposition syndrome 2. Last evaluated: 2026-04-15. Review status: criteria provided, single submitter. Criteria: Myriad Autosomal Dominant, Autosomal Recessive and X-Linked Classification Criteria (2023). Collection method: clinical testing. Allele origin: unknown.
Comment: This variant is considered pathogenic. This variant creates a frameshift predicted to result in premature protein truncation.

Ambry Genetics
Classification: Pathogenic for Inborn genetic diseases. Last evaluated: 2025-07-18. Review status: criteria provided, single submitter. Criteria: Ambry Variant Classification Scheme 2023. Collection method: clinical testing. Allele origin: germline.
Comment: The c.496_497insGA pathogenic mutation, located in coding exon 3 of the MBD4 gene, results from an insertion of two nucleotides at position 496, causing a translational frameshift with a predicted alternate stop codon (p.H166Rfs*50). This variant is considered to be rare based on population cohorts in the Genome Aggregation Database (gnomAD). This alteration is expected to result in loss of function by premature protein truncation or nonsense-mediated mRNA decay. As such, this alteration is interpreted as a disease-causing mutation.

Labcorp Genetics (formerly Invitae), Labcorp
Classification: Pathogenic. Last evaluated: 2024-12-12. Review status: criteria provided, single submitter. Criteria: Invitae Variant Classification Sherloc (09022015). Collection method: clinical testing. Allele origin: germline.
Comment: This sequence change creates a premature translational stop signal (p.His166Argfs*50) in the MBD4 gene. It is expected to result in an absent or disrupted protein product. Loss-of-function variants in MBD4 are known to be pathogenic (PMID: 30049810, 35460607). This variant is not present in population databases (gnomAD no frequency). This variant has not been reported in the literature in individuals affected with MBD4-related conditions. For these reasons, this variant has been classified as Pathogenic.

Literature cited by the submitters: PubMed 30049810 (cited by Labcorp Genetics (formerly Invitae), Labcorp); PubMed 35460607 (cited by Labcorp Genetics (formerly Invitae), Labcorp).